The following is an entry in ClinVar:

ClinVar aggregate classification (germline): Conflicting classifications of pathogenicity. Review status: criteria provided, conflicting classifications (1 of 4 stars). 4 submissions from 4 submitters: Likely pathogenic (2); Uncertain significance (2). Last evaluated 2026-01-14.

Conditions:
Inborn genetic diseases. Identifiers: MedGen C0950123, MeSH D030342.
Alport syndrome. Also called: Hemorrhagic familial nephritis; Hemorrhagic hereditary nephritis; Congenital hereditary hematuria. Identifiers: Orphanet 63, MedGen C1567741, MONDO:0018965.
Autosomal dominant Alport syndrome (ATS3A). Also called: ALPORT SYNDROME 3A, AUTOSOMAL DOMINANT; Alport syndrome dominant type; Renal failure and sensorineural hearing loss. Identifiers: Orphanet 63, Orphanet 88918, MedGen C5882663, MONDO:0007086, OMIM 104200.
Hematuria, benign familial, 2 (BFH2). Identifiers: MedGen C5830421, MONDO:0958186, OMIM 620320.
Alport syndrome 3b, autosomal recessive. Identifiers: MedGen C5882699, MONDO:0957811, OMIM 620536.

gnomAD v4.1: 4 of 1,609,540 alleles (0.00025%); highest among the groups gnomAD compares: African/African-American, 0.0053%; no homozygotes.

Submissions (4):

Ambry Genetics
Classification: Uncertain significance for Inborn genetic diseases. Last evaluated: 2026-01-14. Review status: criteria provided, single submitter. Criteria: Ambry Variant Classification Scheme 2023. Collection method: clinical testing. Allele origin: germline.

Natera, Inc.
Classification: Likely pathogenic for Alport syndrome. Last evaluated: 2025-08-20. Review status: criteria provided, single submitter. Criteria: Natera Variant Classification Schema (03/2026). Collection method: clinical testing. Allele origin: germline.
Comment: The c.227G>T variant in COL4A3 is a missense variant predicted to cause substitution of glycine to valine at amino acid 76. This variant is rare in the general population with a frequency below the threshold expected for the associated phenotype(s). This variant is located in a functionally critical region of the protein. Computational prediction algorithms indicate this variant is likely to affect gene or protein function. Given the available evidence, this variant is classified as Likely Pathogenic.

Labcorp Genetics (formerly Invitae), Labcorp
Classification: Uncertain significance. Last evaluated: 2025-06-12. Review status: criteria provided, single submitter. Criteria: Invitae Variant Classification Sherloc (09022015). Collection method: clinical testing. Allele origin: germline.
Comment: This sequence change replaces glycine, which is neutral and non-polar, with valine, which is neutral and non-polar, at codon 76 of the COL4A3 protein (p.Gly76Val). This variant is not present in population databases (gnomAD no frequency). This variant has not been reported in the literature in individuals affected with COL4A3-related conditions. ClinVar contains an entry for this variant (Variation ID: 3585963). Invitae Evidence Modeling of protein sequence and biophysical properties (such as structural, functional, and spatial information, amino acid conservation, physicochemical variation, residue mobility, and thermodynamic stability) has been performed for this missense variant. However, the output from this modeling did not meet the statistical confidence thresholds required to predict the impact of this variant on COL4A3 protein function. In summary, the available evidence is currently insufficient to determine the role of this variant in disease. Therefore, it has been classified as a Variant of Uncertain Significance.

Fulgent Genetics
Classification: Likely pathogenic for Autosomal dominant Alport syndrome; Hematuria, benign familial, 2; Alport syndrome 3b, autosomal recessive. Last evaluated: 2024-06-17. Review status: criteria provided, single submitter. Criteria: ACMG Guidelines, 2015. Collection method: clinical testing. Allele origin: germline.

NM_000091.5(COL4A3):c.227G>T (p.Gly76Val)

Genes: COL4A3 (collagen type IV alpha 3 chain; plus strand), MFF-DT (MFF divergent transcript; minus strand). Cytogenetic location: 2q36.3.
Variant type: single nucleotide variant.
Coding change: c.227G>T on transcript NM_000091.5 (MANE Select); coding-DNA position 227, G replaced by T.
Protein change: p.Gly76Val; replaces glycine 76 with valine.
Molecular consequence: missense variant.
Genome position (GRCh38, 1-based): chr2:227,240,225, G>T. VCF-style: chr2-227240225-G-T. GRCh37 (hg19) VCF-style: chr2-228104941-G-T.
Other names: short protein forms G76V.
Identifiers: ClinVar variation 3585963 (VCV003585963.4).
Genomic context (GRCh38, chr2:227,240,225, plus strand): 5'-CCCCCGGTTCTCCTGGCCAGAAAGGATTCACAGGTCCTGAAGGCTTGCCTGGACCGCAGG[G>T]ACCCAAGGTATGTCATCCTGCAAGCTTGGAAAATCCCCAACCCACCTAACCCTCTTCCTG-3'
Protein context (NP_000082.2, residues 66-86): TGPEGLPGPQ[Gly76Val]PKGFPGLPGL